The following is an entry in ClinVar:

NM_007078.3(LDB3):c.1679G>T (p.Gly560Val)

Gene: LDB3 (LIM domain binding 3; plus strand). Cytogenetic location: 10q23.2.
Variant type: single nucleotide variant.
Coding change: c.1679G>T on transcript NM_007078.3 (MANE Select); coding-DNA position 1679, G replaced by T.
Protein change: p.Gly560Val; replaces glycine 560 with valine.
Molecular consequence: missense variant.
Genome position (GRCh38, 1-based): chr10:86,717,966, G>T. VCF-style: chr10-86717966-G-T. GRCh37 (hg19) VCF-style: chr10-88477723-G-T.
Other names: c.1349G>T, p.Gly450Val (NM_001080114.2); c.1694G>T, p.Gly565Val (NM_001171610.2); c.1490G>T, p.Gly497Val (NM_001368064.1, NM_001368065.1); c.1538G>T, p.Gly513Val (NM_001368066.1); short protein forms G450V, G497V, G565V, G513V, G560V.
Identifiers: ClinVar variation 2747680 (VCV002747680.3), dbSNP rs1365041748, ClinGen allele CA377451805.

ClinVar aggregate classification (germline): Uncertain significance (1 of 4 stars; one submission).

Conditions:
Myofibrillar myopathy 4. Also called: Zaspopathy (type). Identifiers: Orphanet 98912, MedGen C4721886, MONDO:0012277, OMIM 609452.

Submission:

Labcorp Genetics (formerly Invitae), Labcorp
Classification: Uncertain significance for Myofibrillar myopathy 4. Last evaluated: 2023-08-07. Review status: criteria provided, single submitter. Criteria: Invitae Variant Classification Sherloc (09022015). Collection method: clinical testing. Allele origin: germline.
Comment: Experimental studies and prediction algorithms are not available or were not evaluated, and the functional significance of this variant is currently unknown. In summary, the available evidence is currently insufficient to determine the role of this variant in disease. Therefore, it has been classified as a Variant of Uncertain Significance. This variant has not been reported in the literature in individuals affected with LDB3-related conditions. The LDB3 gene has multiple clinically relevant transcripts. This variant occurs in alternate transcript NM_007078.3, and corresponds to NM_001080116.1:c.*18592G>T in the primary transcript. This sequence change replaces glycine, which is neutral and non-polar, with valine, which is neutral and non-polar, at codon 560 of the LDB3 protein (p.Gly560Val). This variant is not present in population databases (gnomAD no frequency).